The following is an entry in ClinVar:

ClinVar aggregate classification (germline): Uncertain significance (1 of 4 stars; one submission).

Submission:

Labcorp Genetics (formerly Invitae), Labcorp
Classification: Uncertain significance. Last evaluated: 2022-05-27. Review status: criteria provided, single submitter. Criteria: Invitae Variant Classification Sherloc (09022015). Collection method: clinical testing. Allele origin: germline.
Comment: This variant results in a copy number gain of the genomic region encompassing exon(s) 2-5 of the TELO2 gene. This region includes the initiator codon of the gene. This copy number gain extends beyond the assayed region for this gene and therefore may encompass additional genes. As the precise location of this event is unknown, it may be in tandem or it may be located elsewhere in the genome. This variant has not been reported in the literature in individuals affected with TELO2-related conditions. In summary, the available evidence is currently insufficient to determine the role of this variant in disease. Therefore, it has been classified as a Variant of Uncertain Significance.

NC_000016.9:g.(?_1544283)_(1547529_?)dup

Gene: TELO2 (telomere maintenance 2; plus strand). Cytogenetic location: 16p13.3.
Variant type: Duplication.
Identifiers: ClinVar variation 2426268 (VCV002426268.4).